The following is an entry in ClinVar:

ClinVar aggregate classification (germline): Uncertain significance. Review status: criteria provided, multiple submitters, no conflicts (2 of 4 stars). 2 submissions from 2 submitters: Uncertain significance (2). Last evaluated 2023-10-26.

Conditions:
Autosomal dominant Parkinson disease 8. Also called: Parkinson disease 8; Parkinson disease 8, susceptibility to; LRRK2-Related Parkinson Disease. Identifiers: Orphanet 411602, MedGen C1846862, MONDO:0011764, OMIM 607060.

Allele frequency attached by ClinVar (database versions not stated): gnomAD 0.00002; TOPMed 0.00002; gnomAD exomes 0.00003 and 0.00004.
gnomAD v4.1: 68 of 1,611,616 alleles (0.0042%); highest among the groups gnomAD compares: Non-Finnish European, 0.0053%; no homozygotes.

Submissions (2):

Women's Health and Genetics/Laboratory Corporation of America, LabCorp
Classification: Uncertain significance. Last evaluated: 2023-10-26. Review status: criteria provided, single submitter. Criteria: LabCorp Variant Classification Summary - May 2015. Collection method: clinical testing. Allele origin: germline.
Comment: Variant summary: LRRK2 c.4894G>C (p.Glu1632Gln) results in a conservative amino acid change located in the C-terminal of Roc (COR) domain (IPR032171) of the encoded protein sequence. Three of five in-silico tools predict a damaging effect of the variant on protein function. The variant allele was found at a frequency of 2.8e-05 in 249712 control chromosomes (gnomAD). The available data on variant occurrences in the general population are insufficient to allow any conclusion about variant significance. c.4894G>C has been reported in the literature in individuals affected with dementia with Lewy bodies or chronic obstructive pulmonary disease (Rubio_2012, Keogh_2018). These reports do not provide unequivocal conclusions about association of the variant with Parkinson Disease 8, Autosomal Dominant. To our knowledge, no experimental evidence demonstrating an impact on protein function has been reported. The following publications have been ascertained in the context of this evaluation (PMID: 22415848, 30363439, 29332010). One submitter has cited clinical-significance assessments for this variant to ClinVar after 2014 and has classified the variant as uncertain significance. Based on the evidence outlined above, the variant was classified as uncertain significance.

Labcorp Genetics (formerly Invitae), Labcorp
Classification: Uncertain significance for Autosomal dominant Parkinson disease 8. Last evaluated: 2020-01-11. Review status: criteria provided, single submitter. Criteria: Invitae Variant Classification Sherloc (09022015). Collection method: clinical testing. Allele origin: germline.
Comment: This variant has not been reported in the literature in individuals with LRRK2-related conditions. This variant is not present in population databases (ExAC no frequency). This sequence change replaces glutamic acid with glutamine at codon 1632 of the LRRK2 protein (p.Glu1632Gln). The glutamic acid residue is moderately conserved and there is a small physicochemical difference between glutamic acid and glutamine. Algorithms developed to predict the effect of missense changes on protein structure and function are either unavailable or do not agree on the potential impact of this missense change (SIFT: "Tolerated"; PolyPhen-2: "Probably Damaging"; Align-GVGD: "Class C0"). In summary, the available evidence is currently insufficient to determine the role of this variant in disease. Therefore, it has been classified as a Variant of Uncertain Significance.

Literature cited by the submitters: PubMed 22415848 (cited by Women's Health and Genetics/Laboratory Corporation of America, LabCorp); PubMed 30363439 (cited by Women's Health and Genetics/Laboratory Corporation of America, LabCorp); PubMed 29332010 (cited by Women's Health and Genetics/Laboratory Corporation of America, LabCorp).

NM_198578.4(LRRK2):c.4894G>C (p.Glu1632Gln)

Gene: LRRK2 (leucine rich repeat kinase 2; plus strand). Cytogenetic location: 12q12.
Variant type: single nucleotide variant.
Coding change: c.4894G>C on transcript NM_198578.4 (MANE Select); coding-DNA position 4894, G replaced by C.
Protein change: p.Glu1632Gln; replaces glutamic acid 1632 with glutamine.
Molecular consequence: missense variant.
Genome position (GRCh38, 1-based): chr12:40,320,054, G>C. VCF-style: chr12-40320054-G-C. GRCh37 (hg19) VCF-style: chr12-40713856-G-C.
Other names: short protein forms E1632Q.
Identifiers: ClinVar variation 652400 (VCV000652400.9), dbSNP rs200580973, ClinGen allele CA235362088.